The following is an entry in ClinVar:

ClinVar aggregate classification (germline): Uncertain significance (1 of 4 stars; one submission).

Conditions:
Arrhythmogenic right ventricular dysplasia 5. Also called: Arrhythmogenic Right Ventricular Dysplasia/Cardiomyopathy 5; ARRHYTHMOGENIC RIGHT VENTRICULAR DYSPLASIA, FAMILIAL, 5. Identifiers: MedGen C1858379, MONDO:0011459, OMIM 604400.

Submission:

Labcorp Genetics (formerly Invitae), Labcorp
Classification: Uncertain significance for Arrhythmogenic right ventricular dysplasia 5. Last evaluated: 2024-09-03. Review status: criteria provided, single submitter. Criteria: Invitae Variant Classification Sherloc (09022015). Collection method: clinical testing. Allele origin: germline.
Comment: This sequence change replaces lysine, which is basic and polar, with isoleucine, which is neutral and non-polar, at codon 159 of the TMEM43 protein (p.Lys159Ile). This variant is not present in population databases (gnomAD no frequency). This missense change has been observed in individual(s) with arrhythmogenic right ventricular cardiomyopathy (PMID: 22177269). Invitae Evidence Modeling of protein sequence and biophysical properties (such as structural, functional, and spatial information, amino acid conservation, physicochemical variation, residue mobility, and thermodynamic stability) indicates that this missense variant is not expected to disrupt TMEM43 protein function with a negative predictive value of 80%. In summary, the available evidence is currently insufficient to determine the role of this variant in disease. Therefore, it has been classified as a Variant of Uncertain Significance.

Literature cited by the submitters: PubMed 22177269.

NM_024334.3(TMEM43):c.476A>T (p.Lys159Ile)

Gene: TMEM43 (transmembrane protein 43; plus strand). Cytogenetic location: 3p25.1.
Variant type: single nucleotide variant.
Coding change: c.476A>T on transcript NM_024334.3 (MANE Select); coding-DNA position 476, A replaced by T.
Protein change: p.Lys159Ile; replaces lysine 159 with isoleucine.
Molecular consequence: missense variant.
Genome position (GRCh38, 1-based): chr3:14,132,899, A>T. VCF-style: chr3-14132899-A-T. GRCh37 (hg19) VCF-style: chr3-14174399-A-T.
Other names: c.479A>T, p.Lys160Ile (NM_001407274.1); c.476A>T, p.Lys159Ile (NM_001407275.1, NM_001407276.1, NM_001407277.1 and 1 more transcripts); c.461A>T, p.Lys154Ile (NM_001407278.1); c.326A>T, p.Lys109Ile (NM_001407280.1); short protein forms K160I, K109I, K154I, K159I.
Identifiers: ClinVar variation 3714493 (VCV003714493.2).